The following is an entry in ClinVar:

ClinVar aggregate classification (germline): Uncertain significance (1 of 4 stars; one submission).

Submission:

Labcorp Genetics (formerly Invitae), Labcorp
Classification: Uncertain significance. Last evaluated: 2025-07-20. Review status: criteria provided, single submitter. Criteria: Invitae Variant Classification Sherloc (09022015). Collection method: clinical testing. Allele origin: germline.
Comment: This sequence change replaces leucine, which is neutral and non-polar, with arginine, which is basic and polar, at codon 2303 of the MTOR protein (p.Leu2303Arg). This variant is not present in population databases (gnomAD no frequency). This variant has not been reported in the literature in individuals affected with MTOR-related conditions. Invitae Evidence Modeling of protein sequence and biophysical properties (such as structural, functional, and spatial information, amino acid conservation, physicochemical variation, residue mobility, and thermodynamic stability) indicates that this missense variant is not expected to disrupt MTOR protein function with a negative predictive value of 95%. In summary, the available evidence is currently insufficient to determine the role of this variant in disease. Therefore, it has been classified as a Variant of Uncertain Significance.

NM_004958.4(MTOR):c.6908T>G (p.Leu2303Arg)

Gene: MTOR (mechanistic target of rapamycin kinase; minus strand). Cytogenetic location: 1p36.22.
Variant type: single nucleotide variant.
Coding change: c.6908T>G on transcript NM_004958.4 (MANE Select); coding-DNA position 6908, T replaced by G.
Protein change: p.Leu2303Arg; replaces leucine 2303 with arginine.
Molecular consequence: missense variant.
Genome position (GRCh38, 1-based): chr1:11,121,271, A>C on the plus strand (T>G on the coding strand, the complement: MTOR is on the minus strand). VCF-style: chr1-11121271-A-C. GRCh37 (hg19) VCF-style: chr1-11181328-A-C.
Other names: c.6908T>G, p.Leu2303Arg (NM_001386500.1); c.5660T>G, p.Leu1887Arg (NM_001386501.1); short protein forms L1887R, L2303R.
Identifiers: ClinVar variation 4799822 (VCV004799822.1).